The following is an entry in ClinVar:

GRCh38/hg38 1q21.1-21.2(chr1:146987841-148234205)x1

Genes: ACP6 (acid phosphatase 6, lysophosphatidic; minus strand), BCL9 (BCL9 transcription coactivator; plus strand), CHD1L (chromodomain helicase DNA binding protein 1 like; plus strand), FMO5 (flavin containing dimethylaniline monoxygenase 5; minus strand), GJA5 (gap junction protein alpha 5; minus strand) and 35 more. Cytogenetic location: 1q21.1-21.2.
Variant type: copy number loss.
Change: copy number 1 (one copy instead of two) of chr1:146,987,841-148,234,205 (1.25 Mb, GRCh38 coordinates, 1-based), cytogenetic band 1q21.1-21.2.
Identifiers: ClinVar variation 160943 (VCV000160943.1).

ClinVar aggregate classification (germline): Pathogenic (1 of 4 stars; one submission).

Submission:

ISCA site 17
Classification: Pathogenic. Last evaluated: 2011-08-12. Review status: criteria provided, single submitter. Criteria: Kaminsky et al. (Genet Med. 2011). Collection method: clinical testing. Allele origin: unknown. Affected: yes. Observed: 1 variant allele.
Comment: Copy number variation identified through the course of routine clinical cytogenomic testing in postnatal populations. Clinical assertions have been curated as described in Kaminsky et al. 2011.